The following is an entry in ClinVar:

ClinVar aggregate classification (germline): Pathogenic. Review status: criteria provided, multiple submitters, no conflicts (2 of 4 stars). 2 submissions from 2 submitters: Pathogenic (2). Last evaluated 2025-04-14.

Conditions:
Mucopolysaccharidosis, MPS-II (MPS2). Also called: Hunter Syndrome; IDURONATE 2-SULFATASE DEFICIENCY; Mucopolysaccharidosis Type II; Mucopolysaccharidosis type 2; Attenuated MPS (subtype; formerly known as mild MPS II); Severe MPS II. Identifiers: Orphanet 580, Orphanet 79388, MedGen C0026705, MONDO:0010674, OMIM 309900.

Submissions (2):

Women's Health and Genetics/Laboratory Corporation of America, LabCorp
Classification: Pathogenic for Mucopolysaccharidosis, MPS-II. Last evaluated: 2025-04-14. Review status: criteria provided, single submitter. Criteria: LabCorp Variant Classification Summary - May 2015. Collection method: clinical testing. Allele origin: germline.
Comment: Variant summary: IDS c.409_412delTTTC (p.Phe137ThrfsX75) results in a premature termination codon, predicted to cause a truncation of the encoded protein or absence of the protein due to nonsense mediated decay, which are commonly known mechanisms for disease. The variant was absent in 176429 control chromosomes. c.409_412delTTTC has been observed in individual(s) affected with Mucopolysaccharidosis Type II (Hunter Syndrome) (example: Lualdi_2006). The following publication has been ascertained in the context of this evaluation (PMID: 16495038). ClinVar contains an entry for this variant (Variation ID: 3255702). Based on the evidence outlined above, the variant was classified as pathogenic.

Laboratory of Diagnosis and Therapy of Lysosomal Disorders, University of Padova
Classification: Pathogenic for Mucopolysaccharidosis, MPS-II. Last evaluated: 2024-06-07. Review status: criteria provided, single submitter. Criteria: ACMG Guidelines, 2015. Collection method: literature only. Allele origin: germline. Affected: yes. Observed: 1 variant allele.
Comment: Null variant (PVS1_VeryStrong), Absent from controls (or at low frequency) in gnomAD database (PM2_Moderate), Patient’s phenotype or family history highly specific for the disease (PP4_Strong)

Classification method: ACMG Guidelines [PMID:25741868] with modifications

Literature cited by the submitters: PubMed 16495038 (cited by Women's Health and Genetics/Laboratory Corporation of America, LabCorp and Laboratory of Diagnosis and Therapy of Lysosomal Disorders, University of Padova).

NM_000202.8(IDS):c.409_412del (p.Phe137fs)

Gene: IDS (iduronate 2-sulfatase; minus strand). Cytogenetic location: Xq28.
Variant type: Deletion.
Coding change: c.409_412del on transcript NM_000202.8 (MANE Select); coding-DNA positions 409 to 412, 4 bases deleted (TTTC; older notation c.409_412delTTTC).
Protein change: p.Phe137fs; shifts the reading frame from phenylalanine 137.
Molecular consequence: frameshift variant. On other transcripts: non-coding transcript variant (1).
Genome position (GRCh38, 1-based): chrX:149,503,318-149,503,321, GAAA deleted on the plus strand (TTTC on the coding strand, the reverse complement: IDS is on the minus strand); deleting any 4 consecutive bases within chrX:149,503,318-149,503,323 gives the same sequence; the c. name uses the placement nearest the transcript's 3' end. VCF-style (leftmost placement, unchanged base first): chrX-149503317-TGAAA-T. GRCh37 (hg19) VCF-style: chrX-148584847-TGAAA-T.
Other names: c.139_142del, p.Phe47fs (NM_001166550.4); c.409_412del, p.Phe137fs (NM_006123.5); c.409_412delTTTC (NM_000202.8); short protein forms F137fs, F47fs.
Identifiers: ClinVar variation 3255702 (VCV003255702.4).